The following is an entry in ClinVar:

ClinVar aggregate classification (germline): Uncertain significance. Review status: criteria provided, multiple submitters, no conflicts (2 of 4 stars). 3 submissions from 3 submitters: Uncertain significance (2). 1 of the submissions does not count toward it. Last evaluated 2026-07-29.

Conditions:
Usher syndrome type 2A. Also called: USHER SYNDROME, TYPE IIA; RETINAL DISEASE IN USHER SYNDROME TYPE IIA, MODIFIER OF. Identifiers: Orphanet 231178, Orphanet 886, MedGen C1848634, MONDO:0010169, OMIM 276901.
Retinitis pigmentosa 39 (RP39). Identifiers: Orphanet 791, MedGen C3151138, MONDO:0013436, OMIM 613809.
USH2A-related disorder. Also called: USH2A-related disorders; USH2A-related condition. Identifiers: MedGen CN239332.

Submissions (3):

Myriad Genetics, Inc.
Classification: Uncertain significance for USH2A-related disorder. Last evaluated: 2026-07-29. Review status: criteria provided, single submitter. Criteria: Myriad Autosomal Dominant, Autosomal Recessive and X-Linked Classification Criteria (2023). Collection method: clinical testing. Allele origin: unknown.
Comment: NM_206933.2(USH2A):c.12129_12131delTGT(V4044del) is an in-frame deletion classified as a variant of uncertain significance in the context of USH2A-related disorders. V4044del has not been observed in cases with relevant disease. Relevant functional assessments of this variant are not available in the literature. V4044del has not been observed in referenced population frequency databases. In summary, there is insufficient evidence to classify NM_206933.2(USH2A):c.12129_12131delTGT(V4044del) as pathogenic or benign. Please note: this variant was assessed in the context of healthy population screening.

Labcorp Genetics (formerly Invitae), Labcorp
Classification: Uncertain significance. Last evaluated: 2024-04-08. Review status: criteria provided, single submitter. Criteria: Invitae Variant Classification Sherloc (09022015). Collection method: clinical testing. Allele origin: germline.
Comment: This variant, c.12129_12131del, results in the deletion of 1 amino acid(s) of the USH2A protein (p.Val4044del), but otherwise preserves the integrity of the reading frame. This variant is not present in population databases (gnomAD no frequency). This variant has not been reported in the literature in individuals affected with USH2A-related conditions. ClinVar contains an entry for this variant (Variation ID: 555509). Experimental studies and prediction algorithms are not available or were not evaluated, and the functional significance of this variant is currently unknown. In summary, the available evidence is currently insufficient to determine the role of this variant in disease. Therefore, it has been classified as a Variant of Uncertain Significance.

Counsyl
Classification: Uncertain significance for Usher syndrome type 2A; Retinitis pigmentosa 39. Last evaluated: 2017-12-11. Review status: no assertion criteria provided. Collection method: clinical testing. Allele origin: unknown. Not counted in ClinVar's aggregate classification.

NM_206933.4(USH2A):c.12126TGT[1] (p.Val4044del)

Gene: USH2A (usherin; minus strand). Cytogenetic location: 1q41.
Variant type: Microsatellite.
Coding change: c.12126TGT[1] on transcript NM_206933.4 (MANE Select); one copy of the 3-base unit TGT starting at c.12126; the reference has two copies in a row; one copy, 3 bases deleted.
Protein change: p.Val4044del; deletes valine 4044.
Molecular consequence: inframe deletion.
Genome position (GRCh38, 1-based): chr1:215,680,312-215,680,314, ACA deleted on the plus strand (TGT on the coding strand, the reverse complement: USH2A is on the minus strand); deleting any 3 consecutive bases within chr1:215,680,312-215,680,317 gives the same sequence; the position shown is the placement nearest the transcript's 3' end. VCF-style (leftmost placement, unchanged base first): chr1-215680311-CACA-C. GRCh37 (hg19) VCF-style: chr1-215853653-CACA-C.
Other names: short protein forms V4044del.
Identifiers: ClinVar variation 555509 (VCV000555509.5), dbSNP rs1553252937, ClinGen allele CA658822648.
Genomic context (GRCh38, chr1:215,680,311, plus strand): 5'-AGATTCTAAGGTTTGAATCAGAGTCCAAGGGCTTAAAATTTCTCCTGCATGGTTTGCAGC[CACA>C]ACACCAATGCGATATGTTGTGAATGGTTCTAACCCGTACAGGTGGGCTTGATGGCTTGTT-3'